The following is an entry in ClinVar:

NM_017654.4(SAMD9):c.2547C>A (p.Asp849Glu)

Gene: SAMD9 (sterile alpha motif domain containing 9; minus strand). Cytogenetic location: 7q21.2.
Variant type: single nucleotide variant.
Coding change: c.2547C>A on transcript NM_017654.4 (MANE Select); coding-DNA position 2547, C replaced by A.
Protein change: p.Asp849Glu; replaces aspartic acid 849 with glutamic acid.
Molecular consequence: missense variant.
Genome position (GRCh38, 1-based): chr7:93,103,551, G>T on the plus strand (C>A on the coding strand, the complement: SAMD9 is on the minus strand). VCF-style: chr7-93103551-G-T. GRCh37 (hg19) VCF-style: chr7-92732864-G-T.
Other names: c.2547C>A, p.Asp849Glu (NM_001193307.2); short protein forms D849E.
Identifiers: ClinVar variation 3949653 (VCV003949653.1).

ClinVar aggregate classification (germline): Uncertain significance (1 of 4 stars; one submission).

Conditions:
Inborn genetic diseases. Identifiers: MedGen C0950123, MeSH D030342.

gnomAD v4.1: 2 of 1,613,464 alleles (0.00012%); highest among the groups gnomAD compares: Middle Eastern, 0.016%; no homozygotes.

Submission:

Ambry Genetics
Classification: Uncertain significance for Inborn genetic diseases. Last evaluated: 2025-05-21. Review status: criteria provided, single submitter. Criteria: Ambry Variant Classification Scheme 2023. Collection method: clinical testing. Allele origin: germline.
Comment: The p.D849E variant (also known as c.2547C>A), located in coding exon 1 of the SAMD9 gene, results from a C to A substitution at nucleotide position 2547. The aspartic acid at codon 849 is replaced by glutamic acid, an amino acid with highly similar properties. This amino acid position is conserved. In addition, this alteration is predicted to be tolerated by in silico analysis. Based on the available evidence, the clinical significance of this variant remains unclear.